The following is an entry in ClinVar:

ClinVar aggregate classification (germline): Uncertain significance (1 of 4 stars; one submission).

Conditions:
Hereditary nonpolyposis colorectal neoplasms. Identifiers: MedGen C0009405, MeSH D003123.

Submission:

Labcorp Genetics (formerly Invitae), Labcorp
Classification: Uncertain significance for Hereditary nonpolyposis colorectal neoplasms. Last evaluated: 2023-06-16. Review status: criteria provided, single submitter. Criteria: Invitae Variant Classification Sherloc (09022015). Collection method: clinical testing. Allele origin: germline.
Comment: In summary, the available evidence is currently insufficient to determine the role of this variant in disease. Therefore, it has been classified as a Variant of Uncertain Significance. Studies have shown that this missense change results in deletion of partial exon 14 and introduces a premature termination codon (Inviate). The resulting mRNA is expected to undergo nonsense-mediated decay. Advanced modeling of protein sequence and biophysical properties (such as structural, functional, and spatial information, amino acid conservation, physicochemical variation, residue mobility, and thermodynamic stability) performed at Invitae indicates that this missense variant is expected to disrupt PMS2 protein function. This variant has not been reported in the literature in individuals affected with PMS2-related conditions. The frequency data for this variant in the population databases (gnomAD) is considered unreliable due to the presence of homologous sequence, such as pseudogenes or paralogs, in the genome. This sequence change replaces serine, which is neutral and polar, with arginine, which is basic and polar, at codon 773 of the PMS2 protein (p.Ser773Arg). RNA analysis indicates that this missense change induces altered splicing and may result in an absent or disrupted protein product.

NM_000535.7(PMS2):c.2319T>G (p.Ser773Arg)

Gene: PMS2 (PMS1 homolog 2, mismatch repair system component; minus strand). Cytogenetic location: 7p22.1.
Variant type: single nucleotide variant.
Coding change: c.2319T>G on transcript NM_000535.7 (MANE Select); coding-DNA position 2319, T replaced by G.
Protein change: p.Ser773Arg; replaces serine 773 with arginine.
Molecular consequence: missense variant. On other transcripts: synonymous variant (1), non-coding transcript variant (1).
Genome position (GRCh38, 1-based): chr7:5,977,714, A>C on the plus strand (T>G on the coding strand, the complement: PMS2 is on the minus strand). VCF-style: chr7-5977714-A-C. GRCh37 (hg19) VCF-style: chr7-6017345-A-C.
Other names: c.1914T>G, p.Ser638Arg (NM_001018040.1, NM_001322003.2, NM_001322004.2 and 12 more transcripts); c.2163T>G, p.Ser721Arg (NM_001322006.2); c.2001T>G, p.Ser667Arg (NM_001322007.2, NM_001322008.2, NM_001406883.1); c.1947T>G, p.Ser649Arg (NM_001322009.2, NM_001406887.1, NM_001406888.1); c.1758T>G, p.Ser586Arg (NM_001322010.2, NM_001406906.1, NM_001406907.1); c.1386T>G, p.Ser462Arg (NM_001322011.2, NM_001322012.2); c.1746T>G, p.Ser582Arg (NM_001322013.2, NM_001406908.1, NM_001406909.1); c.2352T>G, p.Ser784Arg (NM_001322014.2); and 20 more; short protein forms S586R, S651R, S661R, S665R, S678R, S681R, S707R, S737R.
Identifiers: ClinVar variation 2718027 (VCV002718027.3), dbSNP rs1298578676, ClinGen allele CA366736012.